The following is an entry in ClinVar:

NM_000226.4(KRT9):c.1834G>A (p.Gly612Ser)

Gene: KRT9 (keratin 9; minus strand). Cytogenetic location: 17q21.2.
Variant type: single nucleotide variant.
Coding change: c.1834G>A on transcript NM_000226.4 (MANE Select); coding-DNA position 1834, G replaced by A.
Protein change: p.Gly612Ser; replaces glycine 612 with serine.
Molecular consequence: missense variant.
Genome position (GRCh38, 1-based): chr17:41,567,311, C>T on the plus strand (G>A on the coding strand, the complement: KRT9 is on the minus strand). VCF-style: chr17-41567311-C-T. GRCh37 (hg19) VCF-style: chr17-39723563-C-T.
Other names: short protein forms G612S.
Identifiers: ClinVar variation 3712865 (VCV003712865.2).

ClinVar aggregate classification (germline): Uncertain significance (1 of 4 stars; one submission).

gnomAD v4.1: 108 of 1,614,020 alleles (0.0067%); highest among the groups gnomAD compares: Middle Eastern, 0.016%; no homozygotes.

Submission:

Labcorp Genetics (formerly Invitae), Labcorp
Classification: Uncertain significance. Last evaluated: 2024-08-28. Review status: criteria provided, single submitter. Criteria: Invitae Variant Classification Sherloc (09022015). Collection method: clinical testing. Allele origin: germline.
Comment: This sequence change replaces glycine, which is neutral and non-polar, with serine, which is neutral and polar, at codon 612 of the KRT9 protein (p.Gly612Ser). This variant is present in population databases (rs558331928, gnomAD 0.009%). This variant has not been reported in the literature in individuals affected with KRT9-related conditions. Invitae Evidence Modeling of protein sequence and biophysical properties (such as structural, functional, and spatial information, amino acid conservation, physicochemical variation, residue mobility, and thermodynamic stability) indicates that this missense variant is not expected to disrupt KRT9 protein function with a negative predictive value of 95%. In summary, the available evidence is currently insufficient to determine the role of this variant in disease. Therefore, it has been classified as a Variant of Uncertain Significance.